The following is an entry in ClinVar:

NM_206933.4(USH2A):c.14410G>T (p.Gly4804Ter)

Gene: USH2A (usherin; minus strand). Cytogenetic location: 1q41.
Variant type: single nucleotide variant.
Coding change: c.14410G>T on transcript NM_206933.4 (MANE Select); coding-DNA position 14410, G replaced by T.
Protein change: p.Gly4804Ter; replaces glycine 4804 with a stop codon.
Molecular consequence: nonsense.
Genome position (GRCh38, 1-based): chr1:215,648,700, C>A on the plus strand (G>T on the coding strand, the complement: USH2A is on the minus strand). VCF-style: chr1-215648700-C-A. GRCh37 (hg19) VCF-style: chr1-215822042-C-A.
Other names: short protein forms G4804*.
Identifiers: ClinVar variation 5011576 (VCV005011576.1).

ClinVar aggregate classification (germline): Pathogenic (1 of 4 stars; one submission).

Conditions:
USH2A-related disorder. Also called: USH2A-related condition; USH2A-related disorders. Identifiers: MedGen CN239332.

Submission:

Myriad Genetics, Inc.
Classification: Pathogenic for USH2A-related disorder. Last evaluated: 2023-09-05. Review status: criteria provided, single submitter. Criteria: Myriad Autosomal Dominant, Autosomal Recessive and X-Linked Classification Criteria (2023). Collection method: clinical testing. Allele origin: unknown.
Comment: NM_206933.2(USH2A):c.14410G>T(G4804*) is expected to be pathogenic in the context of USH2A-related disorders. This variant is predicted to lead to an abnormal or absent protein product due to the creation of a premature termination codon in USH2A, a gene where loss-of-function variants are known to be pathogenic. Please note: this variant was assessed in the context of healthy population screening.